The following is an entry in ClinVar:

ClinVar aggregate classification (germline): Uncertain significance (1 of 4 stars; one submission).

Conditions:
Inborn genetic diseases. Identifiers: MedGen C0950123, MeSH D030342.

Submission:

Ambry Genetics
Classification: Uncertain significance for Inborn genetic diseases. Last evaluated: 2023-07-12. Review status: criteria provided, single submitter. Criteria: Ambry Variant Classification Scheme 2023. Collection method: clinical testing. Allele origin: germline.
Comment: The p.L2282I variant (also known as c.6844C>A) is located in coding exon 47 of the LRRK2 gene. The leucine at codon 2282 is replaced by isoleucine, an amino acid with highly similar properties. This change occurs in the first base pair of coding exon 47. This amino acid position is conserved. In addition, this alteration is predicted to be tolerated by in silico analysis. Since supporting evidence is limited at this time, the clinical significance of this alteration remains unclear.

NM_198578.4(LRRK2):c.6844C>A (p.Leu2282Ile)

Gene: LRRK2 (leucine rich repeat kinase 2; plus strand). Cytogenetic location: 12q12.
Variant type: single nucleotide variant.
Coding change: c.6844C>A on transcript NM_198578.4 (MANE Select); coding-DNA position 6844, C replaced by A.
Protein change: p.Leu2282Ile; replaces leucine 2282 with isoleucine.
Molecular consequence: missense variant.
Genome position (GRCh38, 1-based): chr12:40,359,260, C>A. VCF-style: chr12-40359260-C-A. GRCh37 (hg19) VCF-style: chr12-40753062-C-A.
Other names: short protein forms L2282I.
Identifiers: ClinVar variation 2587257 (VCV002587257.2), dbSNP rs1424343593, ClinGen allele CA384411217.